The following is an entry in ClinVar:

NM_000234.3(LIG1):c.1216A>G (p.Ser406Gly)

Gene: LIG1 (DNA ligase 1; minus strand). Cytogenetic location: 19q13.33.
Variant type: single nucleotide variant.
Coding change: c.1216A>G on transcript NM_000234.3 (MANE Select); coding-DNA position 1216, A replaced by G.
Protein change: p.Ser406Gly; replaces serine 406 with glycine.
Molecular consequence: missense variant. On other transcripts: non-coding transcript variant (6).
Genome position (GRCh38, 1-based): chr19:48,137,560, T>C on the plus strand (A>G on the coding strand, the complement: LIG1 is on the minus strand). VCF-style: chr19-48137560-T-C. GRCh37 (hg19) VCF-style: chr19-48640817-T-C.
Other names: c.1123A>G, p.Ser375Gly (NM_001289063.2); c.1012A>G, p.Ser338Gly (NM_001289064.2); c.1213A>G, p.Ser405Gly (NM_001320970.2); c.1126A>G, p.Ser376Gly (NM_001320971.2); short protein forms S376G, S406G, S338G, S375G, S405G.
Identifiers: ClinVar variation 1461241 (VCV001461241.3), dbSNP rs2122633676, ClinGen allele CA406649464.

ClinVar aggregate classification (germline): Uncertain significance (1 of 4 stars; one submission).

Allele frequency attached by ClinVar (database versions not stated): gnomAD exomes below 0.00001.
gnomAD v4.1: 2 of 1,613,480 alleles (0.00012%); highest among the groups gnomAD compares: Non-Finnish European, 0.00017%; no homozygotes.

Submission:

Labcorp Genetics (formerly Invitae), Labcorp
Classification: Uncertain significance. Last evaluated: 2021-12-15. Review status: criteria provided, single submitter. Criteria: Invitae Variant Classification Sherloc (09022015). Collection method: clinical testing. Allele origin: germline.
Comment: This sequence change replaces serine, which is neutral and polar, with glycine, which is neutral and non-polar, at codon 406 of the LIG1 protein (p.Ser406Gly). This variant is not present in population databases (gnomAD no frequency). This variant has not been reported in the literature in individuals affected with LIG1-related conditions. Algorithms developed to predict the effect of missense changes on protein structure and function (SIFT, PolyPhen-2, Align-GVGD) all suggest that this variant is likely to be tolerated. In summary, the available evidence is currently insufficient to determine the role of this variant in disease. Therefore, it has been classified as a Variant of Uncertain Significance.